The following is an entry in ClinVar:

NM_003773.5(HYAL2):c.327C>G (p.His109Gln)

Gene: HYAL2 (hyaluronidase 2; minus strand). Cytogenetic location: 3p21.31.
Variant type: single nucleotide variant.
Coding change: c.327C>G on transcript NM_003773.5 (MANE Select); coding-DNA position 327, C replaced by G.
Protein change: p.His109Gln; replaces histidine 109 with glutamine.
Molecular consequence: missense variant.
Genome position (GRCh38, 1-based): chr3:50,320,163, G>C on the plus strand (C>G on the coding strand, the complement: HYAL2 is on the minus strand). VCF-style: chr3-50320163-G-C. GRCh37 (hg19) VCF-style: chr3-50357594-G-C.
Other names: c.327C>G, p.His109Gln (NM_033158.5); short protein forms H109Q.
Identifiers: ClinVar variation 4056040 (VCV004056040.1).

ClinVar aggregate classification (germline): Uncertain significance (1 of 4 stars; one submission).

gnomAD v4.1: 7 of 1,613,762 alleles (0.00043%); highest among the groups gnomAD compares: Non-Finnish European, 0.00051%; no homozygotes.

Submission:

GeneDx
Classification: Uncertain significance. Last evaluated: 2025-01-05. Review status: criteria provided, single submitter. Criteria: GeneDx Variant Classification Process June 2021. Collection method: clinical testing. Allele origin: germline. Affected: yes.
Comment: Not observed at significant frequency in large population cohorts (gnomAD); In silico analysis supports that this missense variant has a deleterious effect on protein structure/function; Has not been previously published as pathogenic or benign to our knowledge